The following is an entry in ClinVar:

ClinVar aggregate classification (germline): Uncertain significance (1 of 4 stars; one submission).

Conditions:
Amyotrophic lateral sclerosis type 6. Also called: FUS-Related Amyotrophic Laterial Sclerosis; AMYOTROPHIC LATERAL SCLEROSIS 6 WITHOUT FRONTOTEMPORAL DEMENTIA; Amyotrophic lateral sclerosis 6, with or without frontotemporal dementia. Identifiers: Orphanet 275872, Orphanet 803, MedGen C2931786, MONDO:0011951, OMIM 608030.
Tremor, hereditary essential, 4 (ETM4). Identifiers: MedGen C3539195, MONDO:0013888, OMIM 614782.

Allele frequency attached by ClinVar (database versions not stated): gnomAD exomes below 0.00001.
gnomAD v4.1: 8 of 1,613,952 alleles (0.0005%); highest among the groups gnomAD compares: Non-Finnish European, 0.00059%; no homozygotes.

Submission:

Labcorp Genetics (formerly Invitae), Labcorp
Classification: Uncertain significance for Tremor, hereditary essential, 4; Amyotrophic lateral sclerosis type 6. Last evaluated: 2025-08-23. Review status: criteria provided, single submitter. Criteria: Invitae Variant Classification Sherloc (09022015). Collection method: clinical testing. Allele origin: germline.
Comment: This sequence change replaces glycine, which is neutral and non-polar, with serine, which is neutral and polar, at codon 114 of the FUS protein (p.Gly114Ser). This variant is present in population databases (rs186802889, gnomAD 0.003%). This variant has not been reported in the literature in individuals affected with FUS-related conditions. ClinVar contains an entry for this variant (Variation ID: 2924435). Experimental studies and prediction algorithms are not available or were not evaluated, and the functional significance of this variant is currently unknown. In summary, the available evidence is currently insufficient to determine the role of this variant in disease. Therefore, it has been classified as a Variant of Uncertain Significance.

NM_004960.4(FUS):c.340G>A (p.Gly114Ser)

Gene: FUS (FUS RNA binding protein; plus strand). Cytogenetic location: 16p11.2.
Variant type: single nucleotide variant.
Coding change: c.340G>A on transcript NM_004960.4 (MANE Select); coding-DNA position 340, G replaced by A.
Protein change: p.Gly114Ser; replaces glycine 114 with serine.
Molecular consequence: missense variant. On other transcripts: non-coding transcript variant (1).
Genome position (GRCh38, 1-based): chr16:31,184,213, G>A. VCF-style: chr16-31184213-G-A. GRCh37 (hg19) VCF-style: chr16-31195534-G-A.
Other names: c.337G>A, p.Gly113Ser (NM_001170634.1); c.340G>A, p.Gly114Ser (NM_001170937.1); short protein forms G113S, G114S.
Identifiers: ClinVar variation 2924435 (VCV002924435.3), dbSNP rs186802889, ClinGen allele CA8023603.